The following is an entry in ClinVar:

NM_182914.3(SYNE2):c.20062-119G>C

Gene: SYNE2 (spectrin repeat containing nuclear envelope protein 2; plus strand). Cytogenetic location: 14q23.2.
Variant type: single nucleotide variant.
Coding change: c.20062-119G>C on transcript NM_182914.3 (MANE Select); 119 bases into the intron before coding-DNA position 20062, G replaced by C.
Molecular consequence: intron variant.
Genome position (GRCh38, 1-based): chr14:64,221,457, G>C. VCF-style: chr14-64221457-G-C. GRCh37 (hg19) VCF-style: chr14-64688175-G-C.
Other names: c.19993-119G>C (NM_015180.6); c.964-77G>C (NM_182913.4); c.586-77G>C (NM_182910.2).
Identifiers: ClinVar variation 281196 (VCV000281196.16), dbSNP rs1152588, ClinGen allele CA10603818.
Genomic context (GRCh38, chr14:64,221,457, plus strand): 5'-TCTTTCCTCTTCCTCATTTTGGGGCCCTGGCATTTAGTTTAAAGCTGGTCCTCGTATTCA[G>C]TGGGTAAGGCCAGAAAAGCAAATGACTGTGATGGATTGGAAGCAGTAAGCCATGTTCCTG-3'

ClinVar aggregate classification (germline): Benign. Review status: criteria provided, multiple submitters, no conflicts (2 of 4 stars). 4 submissions from 4 submitters: Benign (4). Last evaluated 2026-01-19.

Conditions:
Emery-Dreifuss muscular dystrophy 5, autosomal dominant (EDMD5). Also called: EMERY-DREIFUSS MUSCULAR DYSTROPHY 5. Identifiers: Orphanet 261, MedGen C2751805, MONDO:0013072, OMIM 612999.

Allele frequency attached by ClinVar (database versions not stated): gnomAD 0.65329 and 0.66235; TOPMed 0.66580; 1000 Genomes Project 0.68830; 1000 Genomes Project 30x 0.69097.
gnomAD v4.1: 908,502 of 1,588,304 alleles (57%); highest among the groups gnomAD compares: African/African-American, 88%; 265,110 homozygotes.

Submissions (4):

Labcorp Genetics (formerly Invitae), Labcorp
Classification: Benign for Emery-Dreifuss muscular dystrophy 5, autosomal dominant. Last evaluated: 2026-01-19. Review status: criteria provided, single submitter. Criteria: Invitae Variant Classification Sherloc (09022015). Collection method: clinical testing. Allele origin: germline.

GeneDx
Classification: Benign. Last evaluated: 2018-07-09. Review status: criteria provided, single submitter. Criteria: GeneDx Variant Classification Process June 2021. Collection method: clinical testing. Allele origin: germline. Affected: yes.
Comment: This variant is associated with the following publications: (PMID: 16118344)

Eurofins Ntd Llc (ga)
Classification: Benign. Last evaluated: 2015-09-04. Review status: criteria provided, single submitter. Criteria: EGL Classification Definitions 2015. Collection method: clinical testing. Allele origin: germline. Observed: 104 variant alleles, 102 heterozygotes.

Breakthrough Genomics
Classification: Benign. Review status: criteria provided, single submitter. Criteria: ACMG Guidelines, 2015. Collection method: not provided. Allele origin: germline. Inheritance: Autosomal dominant inheritance. Affected: yes.